The following is an entry in ClinVar:

NM_000216.4(ANOS1):c.171_181del (p.Gln57fs)

Gene: ANOS1 (anosmin 1; minus strand). Cytogenetic location: Xp22.31.
Variant type: Deletion.
Coding change: c.171_181del on transcript NM_000216.4 (MANE Select); coding-DNA positions 171 to 181, 11 bases deleted (GATCACTCGCA).
Protein change: p.Gln57fs; shifts the reading frame from glutamine 57.
Molecular consequence: frameshift variant.
Genome position (GRCh38, 1-based): chrX:8,731,856-8,731,866, TGCGAGTGATC deleted on the plus strand (GATCACTCGCA on the coding strand, the reverse complement: ANOS1 is on the minus strand); deleting any 11 consecutive bases within chrX:8,731,856-8,731,869 gives the same sequence; the c. name uses the placement nearest the transcript's 3' end. VCF-style (leftmost placement, unchanged base first): chrX-8731855-ATGCGAGTGATC-A. GRCh37 (hg19) VCF-style: chrX-8699896-ATGCGAGTGATC-A.
Other names: short protein forms Q57fs.
Identifiers: ClinVar variation 1387367 (VCV001387367.6), dbSNP rs2146919128, ClinGen allele CA2573159631.

ClinVar aggregate classification (germline): Pathogenic (1 of 4 stars; one submission).

Conditions:
Hypogonadotropic hypogonadism 1 with or without anosmia (HH1). Also called: Kallmann syndrome, type 1, X-linked; DYSPLASIA OLFACTOGENITALIS OF DE MORSIER; Hypogonadotropic hypogonadism 1 with or without anosmia (Kallmann syndrome 1); HYPOGONADOTROPIC HYPOGONADISM 1 WITH ANOSMIA; KAL1-Related GnRH Deficiency (Kallmann Syndrome 1; Kallmann Syndrome, X-Linked); HYPOGONADOTROPIC HYPOGONADISM AND ANOSMIA. Identifiers: Orphanet 478, MedGen C1563719, MONDO:0010635, OMIM 308700. Disease mechanism: loss of function.

Submission:

Labcorp Genetics (formerly Invitae), Labcorp
Classification: Pathogenic for Hypogonadotropic hypogonadism 1 with or without anosmia. Last evaluated: 2021-07-30. Review status: criteria provided, single submitter. Criteria: Invitae Variant Classification Sherloc (09022015). Collection method: clinical testing. Allele origin: germline.
Comment: For these reasons, this variant has been classified as Pathogenic. This variant has not been reported in the literature in individuals with ANOS1-related conditions. This variant is not present in population databases (ExAC no frequency). This sequence change creates a premature translational stop signal (p.Gln57Hisfs*25) in the ANOS1 gene. It is expected to result in an absent or disrupted protein product. Loss-of-function variants in ANOS1 are known to be pathogenic (PMID: 8504298, 11297579).

Literature cited by the submitters: PubMed 8504298; PubMed 11297579.